The following is an entry in ClinVar:

NM_006005.3(WFS1):c.1683C>G (p.Ile561Met)

Gene: WFS1 (wolframin ER transmembrane glycoprotein; plus strand). Cytogenetic location: 4p16.1.
Variant type: single nucleotide variant.
Coding change: c.1683C>G on transcript NM_006005.3 (MANE Select); coding-DNA position 1683, C replaced by G.
Protein change: p.Ile561Met; replaces isoleucine 561 with methionine.
Molecular consequence: missense variant.
Genome position (GRCh38, 1-based): chr4:6,301,478, C>G. VCF-style: chr4-6301478-C-G. GRCh37 (hg19) VCF-style: chr4-6303205-C-G.
Other names: c.1683C>G, p.Ile561Met (NM_001145853.1); short protein forms I561M.
Identifiers: ClinVar variation 2161133 (VCV002161133.4), dbSNP rs71530906, ClinGen allele CA2839445.

ClinVar aggregate classification (germline): Uncertain significance (1 of 4 stars; one submission).

gnomAD v4.1: 25 of 1,612,920 alleles (0.0015%); highest among the groups gnomAD compares: Non-Finnish European, 0.0021%; no homozygotes.

Submission:

Labcorp Genetics (formerly Invitae), Labcorp
Classification: Uncertain significance. Last evaluated: 2024-12-23. Review status: criteria provided, single submitter. Criteria: Invitae Variant Classification Sherloc (09022015). Collection method: clinical testing. Allele origin: germline.
Comment: This sequence change replaces isoleucine, which is neutral and non-polar, with methionine, which is neutral and non-polar, at codon 561 of the WFS1 protein (p.Ile561Met). This variant is present in population databases (rs71530906, gnomAD 0.006%). This variant has not been reported in the literature in individuals affected with WFS1-related conditions. ClinVar contains an entry for this variant (Variation ID: 2161133). Invitae Evidence Modeling of protein sequence and biophysical properties (such as structural, functional, and spatial information, amino acid conservation, physicochemical variation, residue mobility, and thermodynamic stability) indicates that this missense variant is not expected to disrupt WFS1 protein function with a negative predictive value of 80%. In summary, the available evidence is currently insufficient to determine the role of this variant in disease. Therefore, it has been classified as a Variant of Uncertain Significance.